The following is an entry in ClinVar:

ClinVar aggregate classification (germline): Pathogenic/Likely pathogenic. Review status: criteria provided, multiple submitters, no conflicts (2 of 4 stars). 3 submissions from 3 submitters: Pathogenic (2); Likely pathogenic (1). Last evaluated 2019-07-26.

Conditions:
Cardiovascular phenotype. Identifiers: MedGen CN230736.
Arrhythmogenic cardiomyopathy with wooly hair and keratoderma. Also called: PALMOPLANTAR KERATODERMA WITH LEFT VENTRICULAR CARDIOMYOPATHY AND WOOLLY HAIR; Carvajal syndrome; Arrhythmogenic cardiomyopathy with woolly hair and keratoderma; Dilated cardiomyopathy with woolly hair and keratoderma. Identifiers: Orphanet 65282, MedGen C1854063, MONDO:0011581, OMIM 605676.
Arrhythmogenic right ventricular dysplasia 8 (ARVD8). Also called: Arrhythmogenic Right Ventricular Dysplasia/Cardiomyopathy 8; ARRHYTHMOGENIC RIGHT VENTRICULAR DYSPLASIA, FAMILIAL, 8; ARRHYTHMOGENIC RIGHT VENTRICULAR CARDIOMYOPATHY 8. Identifiers: MedGen C1843896, MONDO:0011831, OMIM 607450.
Arrhythmogenic right ventricular cardiomyopathy (ARVD). Also called: Cardiomyopathy, ARVC; Arrhythmogenic right ventricular dysplasia; Arrhythmogenic cardiomyopathy; Arrhythmogenic Right Ventricular Cardiomyopathy (ARVC). Identifiers: Orphanet 247, MedGen C0349788, MeSH D019571, MONDO:0016587. Disease mechanism: loss of function. Inheritance: Various modes of inheritance.

Allele frequency attached by ClinVar (database versions not stated): gnomAD exomes below 0.00001.
gnomAD v4.1: 2 of 1,614,232 alleles (0.00012%); highest among the groups gnomAD compares: Non-Finnish European, 0.00017%; no homozygotes.

Submissions (3):

Labcorp Genetics (formerly Invitae), Labcorp
Classification: Pathogenic for Arrhythmogenic cardiomyopathy with wooly hair and keratoderma; Arrhythmogenic right ventricular dysplasia 8. Last evaluated: 2019-07-26. Review status: criteria provided, single submitter. Criteria: Invitae Variant Classification Sherloc (09022015). Collection method: clinical testing. Allele origin: germline.
Comment: This variant has been observed in an individual affected with arrhythmogenic right ventricular cardiomyopathy (PMID: 21606390). ClinVar contains an entry for this variant (Variation ID: 228253). This variant is not present in population databases (ExAC no frequency). This sequence change creates a premature translational stop signal (p.Gln625*) in the DSP gene. It is expected to result in an absent or disrupted protein product. Loss-of-function variants in DSP are known to be pathogenic (PMID: 20716751, 24503780, 25227139). For these reasons, this variant has been classified as Pathogenic.

Ambry Genetics
Classification: Pathogenic for Cardiovascular phenotype. Last evaluated: 2019-04-26. Review status: criteria provided, single submitter. Criteria: Ambry Variant Classification Scheme 2023. Collection method: clinical testing. Allele origin: germline.
Comment: The p.Q625* pathogenic mutation (also known as c.1873C>T), located in coding exon 14 of the DSP gene, results from a C to T substitution at nucleotide position 1873. This changes the amino acid from a glutamine to a stop codon within coding exon 14. This variant has been reported in arrhythmogenic right ventricular cardiomyopathy (ARVC) cohorts (Quarta G et al. Circulation, 2011 Jun;123:2701-9; Castelletti S et al. Int. J. Cardiol., 2017 Dec;249:268-273). Alterations in DSP that result in haploinsufficiency or protein truncation have been reported in patients with ARVC and dilated cardiomyopathy (DCM) (Fressart V et al. Europace. 2010;12(6):861-8; Elliott P et al. Circ Cardiovasc Genet. 2010;3(4):314-22; Quarta G et al. Circulation. 2011;123(23):2701-9; Garcia-Pavia P et al. Heart. 2011;97(21):1744-52; Rasmussen TB et al. Clin Genet. 2013;84(1):20-30; Pugh TJ et al. Genet Med. 2014;16(8):601-8). This alteration is expected to result in loss of function by premature protein truncation or nonsense-mediated mRNA decay. As such, this alteration is interpreted as a disease-causing mutation.

Laboratory for Molecular Medicine, Mass General Brigham Personalized Medicine
Classification: Likely pathogenic for Arrhythmogenic right ventricular cardiomyopathy. Last evaluated: 2015-10-15. Review status: criteria provided, single submitter. Criteria: LMM Criteria. Collection method: clinical testing. Allele origin: germline. Inheritance: Autosomal dominant inheritance. Observed: 3 variant alleles.
Comment: The p.Gln625X variant in DSP has been reported in 1 individual with ARVC (Quarta 2011) and was absent from large population studies. This nonsense variant leads to a premature termination codon at position 625 which is predicted to lead to a truncated or absent protein. Frameshift and nonsense variants in DSP have been reported in patients with ARVC, but recent evidence supports that they can also cause DCM (Pugh 2014). In summary, although additio nal studies are required to fully establish its clinical significance, the p.Gln 625X variant is likely pathogenic.

Literature cited by the submitters: PubMed 21606390 (cited by 3 submitters); PubMed 20716751 (cited by Labcorp Genetics (formerly Invitae), Labcorp); PubMed 24503780 (cited by Labcorp Genetics (formerly Invitae), Labcorp); PubMed 25227139 (cited by Labcorp Genetics (formerly Invitae), Labcorp); PubMed 28527814 (cited by Ambry Genetics); PubMed 25525159 (cited by Laboratory for Molecular Medicine, Mass General Brigham Personalized Medicine).

NM_004415.4(DSP):c.1873C>T (p.Gln625Ter)

Gene: DSP (desmoplakin; plus strand). Cytogenetic location: 6p24.3.
Variant type: single nucleotide variant.
Coding change: c.1873C>T on transcript NM_004415.4 (MANE Select); coding-DNA position 1873, C replaced by T.
Protein change: p.Gln625Ter; replaces glutamine 625 with a stop codon.
Molecular consequence: nonsense.
Genome position (GRCh38, 1-based): chr6:7,571,554, C>T. VCF-style: chr6-7571554-C-T. GRCh37 (hg19) VCF-style: chr6-7571787-C-T.
Other names: c.1873C>T, p.Gln625Ter (NM_001008844.3, NM_001319034.2); short protein forms Q625*.
Identifiers: ClinVar variation 228253 (VCV000228253.17), dbSNP rs876657638, ClinGen allele CA10576696.